The following is an entry in ClinVar:

NM_000293.3(PHKB):c.352G>C (p.Ala118Pro)

Gene: PHKB (phosphorylase kinase regulatory subunit beta; plus strand). Cytogenetic location: 16q12.1.
Variant type: single nucleotide variant.
Coding change: c.352G>C on transcript NM_000293.3 (MANE Select); coding-DNA position 352, G replaced by C.
Protein change: p.Ala118Pro; replaces alanine 118 with proline.
Molecular consequence: missense variant.
Genome position (GRCh38, 1-based): chr16:47,503,037, G>C. VCF-style: chr16-47503037-G-C. GRCh37 (hg19) VCF-style: chr16-47536948-G-C.
Other names: A117P; c.331G>C, p.Ala111Pro (NM_001031835.3); c.352G>C, p.Ala118Pro (NM_001363837.1); short protein forms A118P, A111P.
Identifiers: ClinVar variation 13622 (VCV000013622.12), dbSNP rs121918022, ClinGen allele CA256916.

ClinVar aggregate classification (germline): Conflicting classifications of pathogenicity. Review status: criteria provided, conflicting classifications (1 of 4 stars). 6 submissions from 6 submitters: Likely pathogenic (2); Uncertain significance (3). 1 of the submissions does not count toward it. Last evaluated 2025-12-08.

Conditions:
PHKB-related disorder. Also called: PHKB-related condition.
Glycogen storage disease IXb (GSD9B). Also called: GLYCOGENOSIS OF LIVER AND MUSCLE, AUTOSOMAL RECESSIVE; GSD IXb; PHOSPHORYLASE KINASE DEFICIENCY OF LIVER AND MUSCLE, AUTOSOMAL RECESSIVE. Identifiers: Orphanet 79240, MedGen C0543514, MONDO:0009868, OMIM 261750.

Allele frequency attached by ClinVar (database versions not stated): gnomAD 0.00001; gnomAD exomes 0.00001 and 0.00004; ExAC 0.00002; TOPMed 0.00002.
gnomAD v4.1: 22 of 1,613,658 alleles (0.0014%); highest among the groups gnomAD compares: Admixed American, 0.022%; no homozygotes.

Submissions (6):

Labcorp Genetics (formerly Invitae), Labcorp
Classification: Uncertain significance for Glycogen storage disease IXb. Last evaluated: 2025-12-08. Review status: criteria provided, single submitter. Criteria: Invitae Variant Classification Sherloc (09022015). Collection method: clinical testing. Allele origin: germline.
Comment: This sequence change replaces alanine, which is neutral and non-polar, with proline, which is neutral and non-polar, at codon 118 of the PHKB protein (p.Ala118Pro). This variant is present in population databases (rs121918022, gnomAD 0.03%). This missense change has been observed in individual(s) with clinical features of PHKB-related conditions (PMID: 9402963, 26913919, 34093448). In at least one individual the data is consistent with being in trans (on the opposite chromosome) from a pathogenic variant. This variant is also known as A117P. ClinVar contains an entry for this variant (Variation ID: 13622). An algorithm developed to predict the effect of missense changes on protein structure and function (PolyPhen-2) suggests that this variant is likely to be disruptive. In summary, the available evidence is currently insufficient to determine the role of this variant in disease. Therefore, it has been classified as a Variant of Uncertain Significance.

GeneDx
Classification: Uncertain significance. Last evaluated: 2025-10-09. Review status: criteria provided, single submitter. Criteria: GeneDx Variant Classification Process June 2021. Collection method: clinical testing. Allele origin: germline. Affected: yes.
Comment: In silico analysis supports that this missense variant has a deleterious effect on protein structure/function; This variant is associated with the following publications: (PMID: 18950708, 9402963, 26913919, 34093448)

Women's Health and Genetics/Laboratory Corporation of America, LabCorp
Classification: Uncertain significance. Last evaluated: 2024-04-12. Review status: criteria provided, single submitter. Criteria: LabCorp Variant Classification Summary - May 2015. Collection method: clinical testing. Allele origin: germline.
Comment: Variant summary: PHKB c.352G>C (p.Ala118Pro) results in a non-conservative amino acid change located in the GH15-like domain (IPR011613) of the encoded protein sequence. Five of five in-silico tools predict a damaging effect of the variant on protein function. The variant allele was found at a frequency of 4e-05 in 251352 control chromosomes. This frequency is not significantly higher than estimated for a pathogenic variant in PHKB causing Glycogen Phosphorylase Kinase Deficiency (4e-05 vs 0.0011), allowing no conclusion about variant significance. c.352G>C has been reported in the literature in at-least two individuals affected with Glycogen Phosphorylase Kinase Deficiency (Burwinkel_1997, Muzetti_2021). These data indicate that the variant may be associated with disease. To our knowledge, no experimental evidence demonstrating an impact on protein function has been reported. The following publications have been ascertained in the context of this evaluation (PMID: 9402963, 34093448). ClinVar contains an entry for this variant (Variation ID: 13622). Based on the evidence outlined above, the variant was classified as VUS-possibly pathogenic.

Fulgent Genetics
Classification: Likely pathogenic for Glycogen storage disease IXb. Last evaluated: 2024-04-11. Review status: criteria provided, single submitter. Criteria: ACMG Guidelines, 2015. Collection method: clinical testing. Allele origin: germline.

Blueprint Genetics
Classification: Likely pathogenic for PHKB-related disorders. Last evaluated: 2017-07-05. Review status: criteria provided, single submitter. Criteria: ACMG Guidelines, 2015. Collection method: clinical testing. Allele origin: germline. Affected: yes. Observed: 2 variant alleles.

OMIM
Classification: Pathogenic for GLYCOGEN STORAGE DISEASE IXb. Last evaluated: 1997-12-01. Review status: no assertion criteria provided. Collection method: literature only. Allele origin: germline. Not counted in ClinVar's aggregate classification.

Literature cited by the submitters: PubMed 9402963 (cited by 3 submitters); PubMed 26913919 (cited by Labcorp Genetics (formerly Invitae), Labcorp); PubMed 34093448 (cited by Labcorp Genetics (formerly Invitae), Labcorp and Women's Health and Genetics/Laboratory Corporation of America, LabCorp).